The following is an entry in ClinVar:

NC_000016.9:g.(?_23614780)_(23652478_?)del

Gene: PALB2 (partner and localizer of BRCA2; minus strand). Cytogenetic location: 16p12.2.
Variant type: Deletion.
Identifiers: ClinVar variation 3243346 (VCV003243346.1).

ClinVar aggregate classification (germline): Pathogenic (1 of 4 stars; one submission).

Conditions:
Familial cancer of breast. Also called: BREAST CANCER, FAMILIAL; Hereditary breast cancer; hereditary breast carcinoma. Identifiers: Orphanet 227535, MedGen C0346153, MONDO:0016419, OMIM 114480. Disease mechanism: loss of function.

Submission:

Labcorp Genetics (formerly Invitae), Labcorp
Classification: Pathogenic for Familial cancer of breast. Last evaluated: 2023-12-01. Review status: criteria provided, single submitter. Criteria: Invitae Variant Classification Sherloc (09022015). Collection method: clinical testing. Allele origin: unknown.
Comment: A gross deletion of the genomic region encompassing the full coding sequence of the PALB2 gene has been identified. Loss-of-function variants in PALB2 are known to be pathogenic (PMID: 17200668, 17200671, 17200672, 24136930, 25099575). The boundaries of this event are unknown as they extend beyond the assayed region for this gene and therefore may encompass additional genes. This variant has not been reported in the literature in individuals affected with PALB2-related conditions. For these reasons, this variant has been classified as Pathogenic.

Literature cited by the submitters: PubMed 17200668; PubMed 17200671; PubMed 17200672; PubMed 24136930; PubMed 25099575.